The following is an entry in ClinVar:

ClinVar aggregate classification (germline): Pathogenic (1 of 4 stars; one submission).

Conditions:
Hereditary cancer-predisposing syndrome. Also called: Hereditary neoplastic syndrome; Tumor predisposition; Hereditary Cancer Syndrome; Neoplastic Syndromes, Hereditary. Identifiers: Orphanet 140162, MedGen C0027672, MeSH D009386, MONDO:0015356.

Submission:

Ambry Genetics
Classification: Pathogenic for Hereditary cancer-predisposing syndrome. Last evaluated: 2023-07-13. Review status: criteria provided, single submitter. Criteria: Ambry Variant Classification Scheme 2023. Collection method: clinical testing. Allele origin: germline.
Comment: The c.487_490delGGCC pathogenic mutation, located in coding exon 4 of the STK11 gene, results from a deletion of 4 nucleotides at nucleotide positions 487 to 490, causing a translational frameshift with a predicted alternate stop codon (p.G163Wfs*123). This alteration has been observed in at least one individual with a personal history that is consistent with Peutz-Jeghers syndrome (Ambry internal data). This alteration is expected to result in loss of function by premature protein truncation or nonsense-mediated mRNA decay. This variant is considered to be rare based on population cohorts in the Genome Aggregation Database (gnomAD). As such, this alteration is interpreted as a disease-causing mutation.

NM_000455.5(STK11):c.487_490del (p.Gly163fs)

Gene: STK11 (serine/threonine kinase 11; plus strand). Cytogenetic location: 19p13.3.
Variant type: Deletion.
Coding change: c.487_490del on transcript NM_000455.5 (MANE Select); coding-DNA positions 487 to 490, 4 bases deleted (GGCC; older notation c.487_490delGGCC).
Protein change: p.Gly163fs; shifts the reading frame from glycine 163.
Molecular consequence: frameshift variant. On other transcripts: non-coding transcript variant (1).
Genome position (GRCh38, 1-based): chr19:1,220,395-1,220,398, GGCC deleted; deleting any 4 consecutive bases within chr19:1,220,394-1,220,398 gives the same sequence; the c. name uses the placement nearest the transcript's 3' end. VCF-style (leftmost placement, unchanged base first): chr19-1220393-ACGGC-A. GRCh37 (hg19) VCF-style: chr19-1220392-ACGGC-A.
Other names: c.487_490del, p.Gly163fs (NM_001407255.1); short protein forms G163fs.
Identifiers: ClinVar variation 2586602 (VCV002586602.2), dbSNP rs2145424194, ClinGen allele CA2582342343.